The following is an entry in ClinVar:

NM_001114753.3(ENG):c.1614_1615del (p.Val539fs)

Genes: ENG (endoglin; minus strand), LOC102723566 (uncharacterized LOC102723566; plus strand). Cytogenetic location: 9q34.11.
Variant type: Deletion.
Coding change: c.1614_1615del on transcript NM_001114753.3 (MANE Select); coding-DNA positions 1614 to 1615, 2 bases deleted (AG; older notation c.1614_1615delAG).
Protein change: p.Val539fs; shifts the reading frame from valine 539.
Molecular consequence: frameshift variant.
Genome position (GRCh38, 1-based): chr9:127,818,191-127,818,192, CT deleted on the plus strand (AG on the coding strand, the reverse complement: ENG is on the minus strand). VCF-style (leftmost placement, unchanged base first): chr9-127818190-ACT-A. GRCh37 (hg19) VCF-style: chr9-130580469-ACT-A.
Other names: c.1614_1615delAG (NM_000118.3); c.1614_1615delAG, p.Val539Thrfs (NM_000118.4); c.1068_1069del, p.Val357fs (NM_001278138.2); short protein forms V357fs, V539fs.
Identifiers: ClinVar variation 1678625 (VCV001678625.4), dbSNP rs2131875686, ClinGen allele CA915940734.

ClinVar aggregate classification (germline): Pathogenic (1 of 4 stars; one submission).

Conditions:
Telangiectasia, hereditary hemorrhagic, type 1 (HHT1). Also called: Osler Weber Rendu syndrome type 1; ENG-Related Hereditary Hemorrhagic Telangiectasia. Identifiers: Orphanet 774, MedGen C4551861, MONDO:0008535, OMIM 187300. Disease mechanism: loss of function.

Submission:

Molecular Genetics, Royal Melbourne Hospital
Classification: Pathogenic for Telangiectasia, hereditary hemorrhagic, type 1. Last evaluated: 2023-03-30. Review status: criteria provided, single submitter. Criteria: ACMG Guidelines, 2015. Collection method: clinical testing. Allele origin: germline. Affected: yes.
Comment: This sequence change is a deletion of 2 bp in exon 12 (of 14) of ENG that is predicted to create a premature termination codon at position 565 (p.Val539Thrfs*27). It is expected to result in an absent or disrupted protein product in a gene where loss of function is the known mechanism of disease (PVS1). Based on the classification scheme RMH ACMG Guidelines v1.2.1, this variant is classified as PATHOGENIC. Following criteria are met: PVS1, PM2, PS4_Supporting.